The following is an entry in ClinVar:

ClinVar aggregate classification (germline): Likely pathogenic (1 of 4 stars; one submission).

Conditions:
Neurofibromatosis, type 1 (NF1). Also called: VON RECKLINGHAUSEN DISEASE; NEUROFIBROMATOSIS, TYPE I, SOMATIC; Peripheral type neurofibromatosis; Neurofibromatosis, type I. Identifiers: Orphanet 636, MedGen C0027831, MONDO:0018975, OMIM 162200. Disease mechanism: loss of function.

Submission:

Institute of Human Genetics, University of Leipzig Medical Center
Classification: Likely pathogenic for Neurofibromatosis, type 1. Last evaluated: 2023-09-14. Review status: criteria provided, single submitter. Criteria: ACMG Guidelines, 2015. Collection method: clinical testing. Allele origin: unknown. Inheritance: Autosomal dominant inheritance. Affected: yes.
Comment: Criteria applied: PVS1,PM2_SUP

NM_001042492.3(NF1):c.7151_7152insG (p.Ser2384_Asn2385insTer)

Gene: NF1 (neurofibromin 1; plus strand). Cytogenetic location: 17q11.2.
Variant type: Insertion.
Coding change: c.7151_7152insG on transcript NM_001042492.3 (MANE Select); coding-DNA positions 7151 to 7152, G inserted.
Protein change: p.Ser2384_Asn2385insTer.
Molecular consequence: frameshift variant. On other transcripts: nonsense (1).
Genome position: GRCh38 VCF-style: chr17-31343097-C-CG. GRCh37 (hg19) VCF-style: chr17-29670115-C-CG.
Other names: c.7088_7089insG, p.Asn2364Terfs (NM_000267.4).
Identifiers: ClinVar variation 2627606 (VCV002627606.2), dbSNP rs2069868919, ClinGen allele CA2582342162.